The following is an entry in ClinVar:

NM_000501.4(ELN):c.1415-22T>C

Genes: ELN (elastin; plus strand), ELN-AS1 (ELN antisense RNA 1; minus strand). Cytogenetic location: 7q11.23.
Variant type: single nucleotide variant.
Coding change: c.1415-22T>C on transcript NM_000501.4 (MANE Select); 22 bases into the intron before coding-DNA position 1415, T replaced by C.
Molecular consequence: intron variant. On other transcripts: non-coding transcript variant (1).
Genome position (GRCh38, 1-based): chr7:74,059,864, T>C. VCF-style: chr7-74059864-T-C. GRCh37 (hg19) VCF-style: chr7-73474194-T-C.
Other names: c.1430-22T>C (NM_001081754.3); c.1373-22T>C (NM_001081753.3); c.1502-22T>C (NM_001278939.2); c.1415-4T>C (NM_001278915.2); c.1415-22T>C (NM_001278912.2); c.1358-22T>C (NM_001081755.3); c.1316-22T>C (NM_001278916.2); c.1172-22T>C (NM_001278913.2); and 4 more.
Identifiers: ClinVar variation 4995663 (VCV004995663.1).

ClinVar aggregate classification (germline): Likely benign (1 of 4 stars; one submission).

Conditions:
ELN-related disorder.

gnomAD v4.1: 1 of 1,042,140 alleles (0.000096%); highest among the groups gnomAD compares: African/African-American, 0.0016%; no homozygotes.

Submission:

PreventionGenetics, part of Exact Sciences
Classification: Likely benign for ELN-related condition. Last evaluated: 2026-02-20. Review status: criteria provided, single submitter. Criteria: ACMG Guidelines, 2015. Collection method: clinical testing. Allele origin: germline.
Comment: This variant is classified as likely benign based on ACMG/AMP sequence variant interpretation guidelines (Richards et al. 2015 PMID: 25741868, with internal and published modifications).